The following is an entry in ClinVar:

NM_000088.4(COL1A1):c.162_168dup (p.Pro57fs)

Gene: COL1A1 (collagen type I alpha 1 chain; minus strand). Cytogenetic location: 17q21.33.
Variant type: Duplication.
Coding change: c.162_168dup on transcript NM_000088.4 (MANE Select); coding-DNA positions 162 to 168, 7 bases duplicated (ACCCGAG; older notation c.162_168dupACCCGAG).
Protein change: p.Pro57fs; shifts the reading frame from proline 57.
Molecular consequence: frameshift variant.
Genome position (GRCh38, 1-based): chr17:50,199,883-50,199,889, CTCGGGT duplicated on the plus strand (ACCCGAG on the coding strand, the reverse complement: COL1A1 is on the minus strand). VCF-style (leftmost placement, unchanged base first): chr17-50199882-G-GCTCGGGT. GRCh37 (hg19) VCF-style: chr17-48277243-G-GCTCGGGT.
Other names: c.162_168dupACCCGAG (NM_000088.4); short protein forms P57fs.
Identifiers: ClinVar variation 2682378 (VCV002682378.1), dbSNP rs2509259187, ClinGen allele CA2697560382.

ClinVar aggregate classification (germline): Pathogenic (1 of 4 stars; one submission).

Conditions:
Osteogenesis imperfecta (OI). Identifiers: Orphanet 666, MedGen C0029434, MeSH D010013, MONDO:0019019.

Submission:

Women's Health and Genetics/Laboratory Corporation of America, LabCorp
Classification: Pathogenic for Osteogenesis imperfecta. Last evaluated: 2023-11-08. Review status: criteria provided, single submitter. Criteria: LabCorp Variant Classification Summary - May 2015. Collection method: clinical testing. Allele origin: germline.
Comment: Variant summary: COL1A1 c.162_168dupACCCGAG (p.Pro57ThrfsX18) results in a premature termination codon, predicted to cause absence of the protein due to nonsense mediated decay, which is a commonly known mechanism for disease. The variant was absent in 251378 control chromosomes (gnomAD). To our knowledge, no occurrence of c.162_168dupACCCGAG in individuals affected with Osteogenesis Imperfecta and no experimental evidence demonstrating its impact on protein function have been reported. No submitters have cited clinical-significance assessments for this variant to ClinVar after 2014. Based on the evidence outlined above, the variant was classified as pathogenic.